The following is an entry in ClinVar:

ClinVar aggregate classification (germline): Uncertain significance (1 of 4 stars; one submission).

gnomAD v4.1: 70 of 1,612,368 alleles (0.0043%); highest among the groups gnomAD compares: East Asian, 0.02%; no homozygotes.

Submission:

CeGaT Center for Human Genetics Tuebingen
Classification: Uncertain significance. Last evaluated: 2026-06-01. Review status: criteria provided, single submitter. Criteria: CeGaT Center For Human Genetics Tuebingen Variant Classification Criteria Version 2. Collection method: clinical testing. Allele origin: germline. Affected: yes. Observed: 1 variant allele.
Comment: TMPRSS6: PM2

NM_001374504.1(TMPRSS6):c.673C>T (p.Arg225Trp)

Gene: TMPRSS6 (transmembrane serine protease 6; minus strand). Cytogenetic location: 22q12.3.
Variant type: single nucleotide variant.
Coding change: c.673C>T on transcript NM_001374504.1 (MANE Select); coding-DNA position 673, C replaced by T.
Protein change: p.Arg225Trp; replaces arginine 225 with tryptophan.
Molecular consequence: missense variant.
Genome position (GRCh38, 1-based): chr22:37,089,741, G>A on the plus strand (C>T on the coding strand, the complement: TMPRSS6 is on the minus strand). VCF-style: chr22-37089741-G-A. GRCh37 (hg19) VCF-style: chr22-37485781-G-A.
Other names: c.673C>T, p.Arg225Trp (NM_001289000.2, NM_001289001.2, NM_153609.4); short protein forms R225W.
Identifiers: ClinVar variation 4873287 (VCV004873287.2).
Genomic context (GRCh38, chr22:37,089,741, plus strand): 5'-CCTTGGGGCCCTGCAGGTGCCACAGGCAGCTGGAGGCCAGGTGGTCAGGCCCCTTCAGCC[G>A]GAGGACCTGGCCCTGGCCCACGTAGCTGTAGCGGTAACAACCTGGAGCGGGGAGAGGGGC-3'
Protein context (NP_001361433.1, residues 215-235): YSYVGQGQVL[Arg225Trp]LKGPDHLASS